The following is an entry in ClinVar:

NM_004360.5(CDH1):c.98A>G (p.Asp33Gly)

Gene: CDH1 (cadherin 1; plus strand). Cytogenetic location: 16q22.1.
Variant type: single nucleotide variant.
Coding change: c.98A>G on transcript NM_004360.5 (MANE Select); coding-DNA position 98, A replaced by G.
Protein change: p.Asp33Gly; replaces aspartic acid 33 with glycine.
Molecular consequence: missense variant. On other transcripts: 5 prime UTR variant (2).
Genome position (GRCh38, 1-based): chr16:68,738,346, A>G. VCF-style: chr16-68738346-A-G. GRCh37 (hg19) VCF-style: chr16-68772249-A-G.
Other names: c.98A>G, p.Asp33Gly (NM_001317184.2); c.-1518A>G (NM_001317185.2); c.-1722A>G (NM_001317186.2); short protein forms D33G.
Identifiers: ClinVar variation 3265115 (VCV003265115.3).

ClinVar aggregate classification (germline): Conflicting classifications of pathogenicity. Review status: criteria provided, conflicting classifications (1 of 4 stars). 2 submissions from 2 submitters: Uncertain significance (1); Likely benign (1). Last evaluated 2024-04-11.

Conditions:
Hereditary cancer-predisposing syndrome. Also called: Neoplastic Syndromes, Hereditary; Hereditary neoplastic syndrome; Tumor predisposition; Hereditary Cancer Syndrome. Identifiers: Orphanet 140162, MedGen C0027672, MeSH D009386, MONDO:0015356.
Hereditary diffuse gastric adenocarcinoma (HDGC). Also called: DIFFUSE GASTRIC AND LOBULAR BREAST CANCER SYNDROME. Identifiers: Orphanet 26106, MedGen C1708349, MONDO:0007648, OMIM 137215.

Submissions (2):

Ambry Genetics
Classification: Likely benign for Hereditary cancer-predisposing syndrome. Last evaluated: 2024-04-11. Review status: criteria provided, single submitter. Criteria: Ambry Variant Classification Scheme 2023. Collection method: clinical testing. Allele origin: germline.

Labcorp Genetics (formerly Invitae), Labcorp
Classification: Uncertain significance for Hereditary diffuse gastric adenocarcinoma. Last evaluated: 2024-03-24. Review status: criteria provided, single submitter. Criteria: Invitae Variant Classification Sherloc (09022015). Collection method: clinical testing. Allele origin: germline.
Comment: This sequence change replaces aspartic acid, which is acidic and polar, with glycine, which is neutral and non-polar, at codon 33 of the CDH1 protein (p.Asp33Gly). This variant is not present in population databases (gnomAD no frequency). This variant has not been reported in the literature in individuals affected with CDH1-related conditions. Algorithms developed to predict the effect of missense changes on protein structure and function output the following: SIFT: "Not Available"; PolyPhen-2: "Benign"; Align-GVGD: "Not Available". The glycine amino acid residue is found in multiple mammalian species, which suggests that this missense change does not adversely affect protein function. In summary, the available evidence is currently insufficient to determine the role of this variant in disease. Therefore, it has been classified as a Variant of Uncertain Significance.